The following is an entry in ClinVar:

NM_000218.3(KCNQ1):c.408C>T (p.Cys136=)

Gene: KCNQ1 (potassium voltage-gated channel subfamily Q member 1; plus strand). Cytogenetic location: 11p15.5.
Variant type: single nucleotide variant.
Coding change: c.408C>T on transcript NM_000218.3 (MANE Select); coding-DNA position 408, C replaced by T.
Protein change: p.Cys136=; no amino-acid change (cysteine 136 retained).
Molecular consequence: synonymous variant.
Genome position (GRCh38, 1-based): chr11:2,527,949, C>T. VCF-style: chr11-2527949-C-T. GRCh37 (hg19) VCF-style: chr11-2549179-C-T.
Other names: c.408C>T, p.Cys136= (NM_001406836.1, NM_001406838.1); c.138C>T, p.Cys46= (NM_001406837.1); c.27C>T, p.Cys9= (NM_181798.2).
Identifiers: ClinVar variation 1545721 (VCV001545721.10), dbSNP rs1334675056, ClinGen allele CA472038228.

ClinVar aggregate classification (germline): Likely benign. Review status: criteria provided, multiple submitters, no conflicts (2 of 4 stars). 2 submissions from 2 submitters: Likely benign (2). Last evaluated 2024-02-26.

Conditions:
Long QT syndrome (LQTS). Identifiers: MedGen C0023976, MeSH D008133, MONDO:0002442. Disease mechanism: loss of function. Inheritance: Various modes of inheritance.

Allele frequency attached by ClinVar (database versions not stated): gnomAD exomes below 0.00001.
gnomAD v4.1: 1 of 1,614,094 alleles (0.000062%); highest among the groups gnomAD compares: East Asian, 0.0022%; no homozygotes.

Submissions (2):

Labcorp Genetics (formerly Invitae), Labcorp
Classification: Likely benign for Long QT syndrome. Last evaluated: 2024-02-26. Review status: criteria provided, single submitter. Criteria: Invitae Variant Classification Sherloc (09022015). Collection method: clinical testing. Allele origin: germline.

All of Us Research Program, National Institutes of Health
Classification: Likely benign for Long QT syndrome. Last evaluated: 2023-05-16. Review status: criteria provided, single submitter. Criteria: ACMG Guidelines, 2015. Collection method: clinical testing. Allele origin: germline. Inheritance: Autosomal dominant inheritance. Observed: 1 variant allele, 1 heterozygote.
Comment: This study involves interpretation of variants in research participants for the purpose of population health screening. Participant phenotype was not available at the time of variant classification. Additional details can be found in publication PMID: 35346344, PMCID: PMC8962531